The following is an entry in ClinVar:

NM_014319.5(LEMD3):c.2573-2del

Gene: LEMD3 (LEM domain containing 3; plus strand). Cytogenetic location: 12q14.3.
Variant type: Deletion.
Coding change: c.2573-2del on transcript NM_014319.5 (MANE Select); the canonical splice acceptor site of the intron before coding-DNA position 2573, one base deleted (A; older notation c.2573-2delA).
Molecular consequence: splice acceptor variant.
Genome position (GRCh38, 1-based): chr12:65,246,160, A deleted. VCF-style (leftmost placement, unchanged base first): chr12-65246159-CA-C. GRCh37 (hg19) VCF-style: chr12-65639939-CA-C.
Other names: c.2570-2del (NM_001167614.2).
Identifiers: ClinVar variation 4798140 (VCV004798140.1).
Genomic context (GRCh38, chr12:65,246,159, plus strand): 5'-TTAATTTTCTGCAAATATTAAACAGTTTTACTGATCTAAAATATTATTTTTATCTTACAA[CA>C]GGGAAATTGGTTACAGTAAAATATTTACGACTAGATAGATACCACCATCGCTTTCCCCAG-3'

ClinVar aggregate classification (germline): Uncertain significance (1 of 4 stars; one submission).

Submission:

Labcorp Genetics (formerly Invitae), Labcorp
Classification: Uncertain significance. Last evaluated: 2025-08-08. Review status: criteria provided, single submitter. Criteria: Invitae Variant Classification Sherloc (09022015). Collection method: clinical testing. Allele origin: germline.
Comment: This sequence change affects a splice site in intron 12 of the LEMD3 gene. While this variant is not anticipated to result in nonsense mediated decay, it likely alters RNA splicing and results in a disrupted protein product. This variant is not present in population databases (gnomAD no frequency). Disruption of this splice site has been observed in individual(s) with osteopoikilosis (internal data). Variants that disrupt the consensus splice site are a relatively common cause of aberrant splicing (PMID: 17576681, 9536098). Algorithms developed to predict the effect of sequence changes on RNA splicing suggest that this variant may disrupt the consensus splice site. In summary, the available evidence is currently insufficient to determine the role of this variant in disease. Therefore, it has been classified as a Variant of Uncertain Significance.

Literature cited by the submitters: PubMed 17576681; PubMed 9536098.